The following is an entry in ClinVar:

ClinVar aggregate classification (germline): Pathogenic (1 of 4 stars; one submission).

Conditions:
Joubert syndrome. Also called: Familial aplasia of the vermis; CEREBELLOPARENCHYMAL DISORDER IV; JOUBERT-BOLTSHAUSER SYNDROME. Identifiers: Orphanet 475, MedGen C5979921, MONDO:0018772.
Meckel-Gruber syndrome. Also called: Dysencephalia splachnocystica; DYSENCEPHALIA SPLANCHNOCYSTICA; GRUBER SYNDROME. Identifiers: Orphanet 564, MedGen C0265215, MONDO:0018921.

Submission:

Labcorp Genetics (formerly Invitae), Labcorp
Classification: Pathogenic for Joubert syndrome; Meckel-Gruber syndrome. Last evaluated: 2022-02-17. Review status: criteria provided, single submitter. Criteria: Invitae Variant Classification Sherloc (09022015). Collection method: clinical testing. Allele origin: germline.
Comment: This sequence change creates a premature translational stop signal (p.Lys904Serfs*11) in the RPGRIP1L gene. It is expected to result in an absent or disrupted protein product. Loss-of-function variants in RPGRIP1L are known to be pathogenic (PMID: 17558409). This variant is not present in population databases (gnomAD no frequency). This variant has not been reported in the literature in individuals affected with RPGRIP1L-related conditions. ClinVar contains an entry for this variant (Variation ID: 1068561). For these reasons, this variant has been classified as Pathogenic.

Literature cited by the submitters: PubMed 17558409.

NM_015272.5(RPGRIP1L):c.2711del (p.Lys904fs)

Gene: RPGRIP1L (RPGRIP1 like; minus strand). Cytogenetic location: 16q12.2.
Variant type: Deletion.
Coding change: c.2711del on transcript NM_015272.5 (MANE Select); coding-DNA position 2711, one base deleted (A; older notation c.2711delA).
Protein change: p.Lys904fs; shifts the reading frame from lysine 904.
Molecular consequence: frameshift variant.
Genome position (GRCh38, 1-based): chr16:53,641,448, T deleted on the plus strand (A on the coding strand, the reverse complement: RPGRIP1L is on the minus strand); the first of 4 consecutive T bases (chr16:53,641,448-53,641,451); deleting any one gives the same sequence. VCF-style (leftmost placement, unchanged base first): chr16-53641447-CT-C. GRCh37 (hg19) VCF-style: chr16-53675359-CT-C.
Other names: c.2711del, p.Lys904fs (NM_001127897.4, NM_001308334.3, NM_001330538.2); short protein forms K904fs.
Identifiers: ClinVar variation 1068561 (VCV001068561.7), dbSNP rs2151060082, ClinGen allele CA2499223563.